The following is an entry in ClinVar:

ClinVar aggregate classification (germline): Pathogenic (1 of 4 stars; one submission).

Conditions:
Hereditary spastic paraplegia 49 (HSAN9). Also called: TECPR2-Related Hereditary Sensory and Autonomic Neuropathy with Intellectual Disability; NEUROPATHY, HEREDITARY SENSORY AND AUTONOMIC, TYPE IX, WITH DEVELOPMENTAL DELAY; Spastic paraplegia 49, autosomal recessive. Identifiers: Orphanet 320385, MedGen C5190860, MONDO:0014016, OMIM 615031.

Submission:

Labcorp Genetics (formerly Invitae), Labcorp
Classification: Pathogenic for Hereditary spastic paraplegia 49. Last evaluated: 2022-02-11. Review status: criteria provided, single submitter. Criteria: Invitae Variant Classification Sherloc (09022015). Collection method: clinical testing. Allele origin: germline.
Comment: This variant has not been reported in the literature in individuals affected with TECPR2-related conditions. This sequence change creates a premature translational stop signal (p.Leu1210Glnfs*26) in the TECPR2 gene. It is expected to result in an absent or disrupted protein product. Loss-of-function variants in TECPR2 are known to be pathogenic (PMID: 23176824, 25590979). This variant is not present in population databases (gnomAD no frequency). For these reasons, this variant has been classified as Pathogenic.

Literature cited by the submitters: PubMed 23176824; PubMed 25590979.

NM_014844.5(TECPR2):c.3619_3628dup (p.Leu1210fs)

Gene: TECPR2 (tectonin beta-propeller repeat containing 2; plus strand). Cytogenetic location: 14q32.31.
Variant type: Duplication.
Coding change: c.3619_3628dup on transcript NM_014844.5 (MANE Select); coding-DNA positions 3619 to 3628, 10 bases duplicated (AGGCTGGACC; older notation c.3619_3628dupAGGCTGGACC).
Protein change: p.Leu1210fs; shifts the reading frame from leucine 1210.
Molecular consequence: frameshift variant.
Genome position (GRCh38, 1-based): chr14:102,452,606-102,452,615, AGGCTGGACC duplicated; duplicating any 10 consecutive bases within chr14:102,452,599-102,452,615 gives the same sequence; the c. name uses the placement nearest the transcript's 3' end. VCF-style (leftmost placement, unchanged base first): chr14-102452598-A-ACTGGACCAGG. GRCh37 (hg19) VCF-style: chr14-102918935-A-ACTGGACCAGG.
Other names: c.3619_3628dup, p.Leu1210fs (NM_001172631.3); short protein forms L1210fs.
Identifiers: ClinVar variation 2096627 (VCV002096627.4), dbSNP rs2504459355, ClinGen allele CA2580088451.